The following is an entry in ClinVar:

ClinVar aggregate classification (germline): Likely benign (1 of 4 stars; one submission).

Conditions:
CPE-related disorder. Also called: CPE-related condition.

gnomAD v4.1: 1 of 1,611,114 alleles (0.000062%); highest among the groups gnomAD compares: South Asian, 0.0011%; no homozygotes.

Submission:

PreventionGenetics, part of Exact Sciences
Classification: Likely benign for CPE-related condition. Last evaluated: 2026-07-21. Review status: criteria provided, single submitter. Criteria: ACMG Guidelines, 2015. Collection method: clinical testing. Allele origin: germline.
Comment: This variant is classified as likely benign based on ACMG/AMP sequence variant interpretation guidelines (Richards et al. 2015 PMID: 25741868, with internal and published modifications).

NM_001873.4(CPE):c.791-9G>T

Gene: CPE (carboxypeptidase E; plus strand). Cytogenetic location: 4q32.3.
Variant type: single nucleotide variant.
Coding change: c.791-9G>T on transcript NM_001873.4 (MANE Select); 9 bases into the intron before coding-DNA position 791, G replaced by T.
Molecular consequence: intron variant.
Genome position (GRCh38, 1-based): chr4:165,484,413, G>T. VCF-style: chr4-165484413-G-T. GRCh37 (hg19) VCF-style: chr4-166405565-G-T.
Identifiers: ClinVar variation 4993905 (VCV004993905.1).